The following is an entry in ClinVar:

ClinVar aggregate classification (germline): Uncertain significance (1 of 4 stars; one submission).

Conditions:
Hereditary cancer-predisposing syndrome. Also called: Tumor predisposition; Hereditary Cancer Syndrome; Neoplastic Syndromes, Hereditary; Hereditary neoplastic syndrome. Identifiers: Orphanet 140162, MedGen C0027672, MeSH D009386, MONDO:0015356.

Submission:

Ambry Genetics
Classification: Uncertain significance for Hereditary cancer-predisposing syndrome. Last evaluated: 2026-02-12. Review status: criteria provided, single submitter. Criteria: Ambry Variant Classification Scheme 2023. Collection method: clinical testing. Allele origin: germline.
Comment: The c.1574+4T>C intronic variant results from a T to C substitution 4 nucleotides after coding exon 14 in the NF2 gene. This nucleotide position is poorly conserved in available vertebrate species. In silico splice site analysis predicts that this alteration will not have any significant effect on splicing. Based on the available evidence, the clinical significance of this variant remains unclear.

NM_000268.4(NF2):c.1574+4T>C

Gene: NF2 (NF2, moesin-ezrin-radixin like (MERLIN) tumor suppressor; plus strand). Cytogenetic location: 22q12.2.
Variant type: single nucleotide variant.
Coding change: c.1574+4T>C on transcript NM_000268.4 (MANE Select); 4 bases into the intron after coding-DNA position 1574, T replaced by C.
Molecular consequence: intron variant.
Genome position (GRCh38, 1-based): chr22:29,678,327, T>C. VCF-style: chr22-29678327-T-C. GRCh37 (hg19) VCF-style: chr22-30074316-T-C.
Other names: c.1574+4T>C (NM_016418.5, NM_181832.3, NM_181825.3); c.448-16425T>C (NM_181833.3); c.1451+4T>C (NM_181829.3); c.1448+4T>C (NM_181828.3); c.1325+4T>C (NM_181830.3, NM_181831.3).
Identifiers: ClinVar variation 485990 (VCV000485990.6), dbSNP rs1556002586, ClinGen allele CA658658913.